The following is an entry in ClinVar:

NM_206926.2(SELENON):c.512A>C (p.His171Pro)

Gene: SELENON (selenoprotein N; plus strand). Cytogenetic location: 1p36.11.
Variant type: single nucleotide variant.
Coding change: c.512A>C on transcript NM_206926.2 (MANE Select); coding-DNA position 512, A replaced by C.
Protein change: p.His171Pro; replaces histidine 171 with proline.
Molecular consequence: missense variant.
Genome position (GRCh38, 1-based): chr1:25,808,656, A>C. VCF-style: chr1-25808656-A-C. GRCh37 (hg19) VCF-style: chr1-26135147-A-C.
Other names: c.614A>C, p.His205Pro (NM_020451.3); c.614A>C (NM_020451.2); short protein forms H171P, H205P.
Identifiers: ClinVar variation 1054301 (VCV001054301.8), dbSNP rs745937377, ClinGen allele CA696579.

ClinVar aggregate classification (germline): Uncertain significance. Review status: criteria provided, multiple submitters, no conflicts (2 of 4 stars). 2 submissions from 2 submitters: Uncertain significance (2). Last evaluated 2024-11-21.

Conditions:
Eichsfeld type congenital muscular dystrophy (CMYO3). Also called: Rigid spine muscular dystrophy 1; MYOPATHY, SEPN1-RELATED; SELENON-related myopathy; Congenital myopathy 3 with rigid spine. Identifiers: MedGen C0410180, MONDO:0100100, OMIM 602771.
Inborn genetic diseases. Identifiers: MedGen C0950123, MeSH D030342.

Allele frequency attached by ClinVar (database versions not stated): ExAC 0.00002; gnomAD 0.00002; gnomAD exomes 0.00002; TOPMed 0.00003.
gnomAD v4.1: 36 of 1,613,724 alleles (0.0022%); highest among the groups gnomAD compares: Non-Finnish European, 0.003%; no homozygotes.

Submissions (2):

Ambry Genetics
Classification: Uncertain significance for Inborn genetic diseases. Last evaluated: 2024-11-21. Review status: criteria provided, single submitter. Criteria: Ambry Variant Classification Scheme 2023. Collection method: clinical testing. Allele origin: germline.

Labcorp Genetics (formerly Invitae), Labcorp
Classification: Uncertain significance for Eichsfeld type congenital muscular dystrophy. Last evaluated: 2024-11-11. Review status: criteria provided, single submitter. Criteria: Invitae Variant Classification Sherloc (09022015). Collection method: clinical testing. Allele origin: germline.
Comment: This sequence change replaces histidine, which is basic and polar, with proline, which is neutral and non-polar, at codon 205 of the SELENON protein (p.His205Pro). This variant is present in population databases (rs745937377, gnomAD 0.005%). This variant has not been reported in the literature in individuals affected with SELENON-related conditions. ClinVar contains an entry for this variant (Variation ID: 1054301). An algorithm developed to predict the effect of missense changes on protein structure and function (PolyPhen-2) suggests that this variant¬†is likely to be tolerated. In summary, the available evidence is currently insufficient to determine the role of this variant in disease. Therefore, it has been classified as a Variant of Uncertain Significance.